The following is an entry in ClinVar:

NM_182746.3(MCM4):c.1704_1705delinsTT (p.Gly569Cys)

Gene: MCM4 (minichromosome maintenance complex component 4; plus strand). Cytogenetic location: 8q11.21.
Variant type: Indel.
Coding change: c.1704_1705delinsTT on transcript NM_182746.3 (MANE Select); coding-DNA positions 1704 to 1705, CG replaced by TT.
Protein change: p.Gly569Cys; replaces glycine 569 with cysteine.
Molecular consequence: missense variant.
Genome position (GRCh38, 1-based): chr8:47,970,780-47,970,781, CG replaced by TT. VCF-style: chr8-47970780-CG-TT. GRCh37 (hg19) VCF-style: chr8-48883340-CG-TT.
Other names: c.1704_1705delinsTT, p.Gly569Cys (NM_005914.4); short protein forms G569C.
Identifiers: ClinVar variation 1954878 (VCV001954878.2), dbSNP rs2551884650, ClinGen allele CA2580078364.

ClinVar aggregate classification (germline): Uncertain significance (1 of 4 stars; one submission).

Submission:

Labcorp Genetics (formerly Invitae), Labcorp
Classification: Uncertain significance. Last evaluated: 2022-07-03. Review status: criteria provided, single submitter. Criteria: Invitae Variant Classification Sherloc (09022015). Collection method: clinical testing. Allele origin: germline.
Comment: This sequence change replaces glycine, which is neutral and non-polar, with cysteine, which is neutral and slightly polar, at codon 569 of the MCM4 protein (p.Gly569Cys). Information on the frequency of this variant in the gnomAD database is not available, as this variant may be reported differently in the database. This variant has not been reported in the literature in individuals affected with MCM4-related conditions. Experimental studies and prediction algorithms are not available or were not evaluated, and the functional significance of this variant is currently unknown. In summary, the available evidence is currently insufficient to determine the role of this variant in disease. Therefore, it has been classified as a Variant of Uncertain Significance.